The following is an entry in ClinVar:

ClinVar aggregate classification (germline): Pathogenic/Likely pathogenic. Review status: criteria provided, multiple submitters, no conflicts (2 of 4 stars). 3 submissions from 3 submitters: Pathogenic (2); Likely pathogenic (1). Last evaluated 2025-10-14.

Conditions:
Hereditary cancer-predisposing syndrome. Also called: Neoplastic Syndromes, Hereditary; Hereditary neoplastic syndrome; Tumor predisposition; Hereditary Cancer Syndrome. Identifiers: Orphanet 140162, MedGen C0027672, MeSH D009386, MONDO:0015356.
Cardiovascular phenotype. Identifiers: MedGen CN230736.
Neurofibromatosis, type 1 (NF1). Also called: Peripheral type neurofibromatosis; Neurofibromatosis, type I; VON RECKLINGHAUSEN DISEASE; NEUROFIBROMATOSIS, TYPE I, SOMATIC. Identifiers: Orphanet 636, MedGen C0027831, MONDO:0018975, OMIM 162200. Disease mechanism: loss of function.

Submissions (3):

Ambry Genetics
Classification: Likely pathogenic for Cardiovascular phenotype; Hereditary cancer-predisposing syndrome. Last evaluated: 2025-10-14. Review status: criteria provided, single submitter. Criteria: Ambry Variant Classification Scheme 2023. Collection method: clinical testing. Allele origin: germline.
Comment: The c.3496+1G>C intronic variant results from a G to C substitution one nucleotide after coding exon 26 of the NF1 gene. Other variant(s) impacting the same donor site (c.3496+1G>A) have been identified in individual(s) with features consistent with Neurofibromatosis type 1 (Ambry internal data). This variant is considered to be rare based on population cohorts in the Genome Aggregation Database (gnomAD). This nucleotide position is highly conserved in available vertebrate species. In silico splice site analysis predicts that this alteration will weaken the native splice donor site. Alterations that disrupt the canonical splice site are expected to cause aberrant splicing, resulting in an abnormal protein or a transcript that is subject to nonsense-mediated mRNA decay. As such, this alteration is classified as likely pathogenic.

Revvity Omics, Revvity
Classification: Pathogenic. Last evaluated: 2019-08-21. Review status: criteria provided, single submitter. Criteria: ACMG Guidelines, 2015. Collection method: clinical testing. Allele origin: germline.

Labcorp Genetics (formerly Invitae), Labcorp
Classification: Pathogenic for Neurofibromatosis, type 1. Last evaluated: 2019-02-07. Review status: criteria provided, single submitter. Criteria: Invitae Variant Classification Sherloc (09022015). Collection method: clinical testing. Allele origin: germline.
Comment: This sequence change affects a donor splice site in intron 26 of the NF1 gene. It is expected to disrupt RNA splicing and likely results in an absent or disrupted protein product. For these reasons, this variant has been classified as Pathogenic. Donor and acceptor splice site variants typically lead to a loss of protein function (PMID: 16199547), and loss-of-function variants in NF1 are known to be pathogenic (PMID: 10712197, 23913538). Algorithms developed to predict the effect of sequence changes on RNA splicing suggest that this variant may disrupt the consensus splice site, but this prediction has not been confirmed by published transcriptional studies. Disruption of this splice site has been observed in several individuals affected with neurofibromatosis type-1 (PMID: 9544853, 10712197). This variant is not present in population databases (ExAC no frequency).

Literature cited by the submitters: PubMed 16199547 (cited by Labcorp Genetics (formerly Invitae), Labcorp); PubMed 10712197 (cited by Labcorp Genetics (formerly Invitae), Labcorp); PubMed 23913538 (cited by Labcorp Genetics (formerly Invitae), Labcorp); PubMed 9544853 (cited by Labcorp Genetics (formerly Invitae), Labcorp).

NM_001042492.3(NF1):c.3496+1G>C

Gene: NF1 (neurofibromin 1; plus strand). Cytogenetic location: 17q11.2.
Variant type: single nucleotide variant.
Coding change: c.3496+1G>C on transcript NM_001042492.3 (MANE Select); the canonical splice donor site of the intron after coding-DNA position 3496, G replaced by C.
Molecular consequence: splice donor variant.
Genome position (GRCh38, 1-based): chr17:31,232,882, G>C. VCF-style: chr17-31232882-G-C. GRCh37 (hg19) VCF-style: chr17-29559900-G-C.
Other names: c.3496+1G>C (NM_000267.4).
Identifiers: ClinVar variation 835181 (VCV000835181.11), dbSNP rs2067138719, ClinGen allele CA398989547.